The following is an entry in ClinVar:

ClinVar aggregate classification (germline): Uncertain significance (1 of 4 stars; one submission).

Conditions:
Combined immunodeficiency due to ZAP70 deficiency (IMD48). Also called: ZAP70 Deficiency; Immunodeficiency 48. Identifiers: Orphanet 911, MedGen C2931299, MONDO:0010023, OMIM 269840.

Allele frequency attached by ClinVar (database versions not stated): gnomAD 0.00001.
gnomAD v4.1: 3 of 1,551,568 alleles (0.00019%); highest among the groups gnomAD compares: South Asian, 0.0024%; no homozygotes.

Submission:

Labcorp Genetics (formerly Invitae), Labcorp
Classification: Uncertain significance for Combined immunodeficiency due to ZAP70 deficiency. Last evaluated: 2022-10-04. Review status: criteria provided, single submitter. Criteria: Invitae Variant Classification Sherloc (09022015). Collection method: clinical testing. Allele origin: germline.
Comment: In summary, the available evidence is currently insufficient to determine the role of this variant in disease. Therefore, it has been classified as a Variant of Uncertain Significance. Algorithms developed to predict the effect of missense changes on protein structure and function are either unavailable or do not agree on the potential impact of this missense change (SIFT: "Not Available"; PolyPhen-2: "Benign"; Align-GVGD: "Not Available"). ClinVar contains an entry for this variant (Variation ID: 1484158). This variant has not been reported in the literature in individuals affected with ZAP70-related conditions. This variant is not present in population databases (gnomAD no frequency). This sequence change replaces serine, which is neutral and polar, with tryptophan, which is neutral and slightly polar, at codon 106 of the ZAP70 protein (p.Ser106Trp).

NM_001079.4(ZAP70):c.317C>G (p.Ser106Trp)

Gene: ZAP70 (zeta chain of T cell receptor associated protein kinase 70; plus strand). Cytogenetic location: 2q11.2.
Variant type: single nucleotide variant.
Coding change: c.317C>G on transcript NM_001079.4 (MANE Select); coding-DNA position 317, C replaced by G.
Protein change: p.Ser106Trp; replaces serine 106 with tryptophan.
Molecular consequence: missense variant.
Genome position (GRCh38, 1-based): chr2:97,724,353, C>G. VCF-style: chr2-97724353-C-G. GRCh37 (hg19) VCF-style: chr2-98340816-C-G.
Other names: c.317C>G, p.Ser106Trp (NM_001378594.1); short protein forms S106W.
Identifiers: ClinVar variation 1484158 (VCV001484158.7), dbSNP rs781033785, ClinGen allele CA347790753.